The following is an entry in ClinVar:

NM_016599.5(MYOZ2):c.447A>T (p.Gln149His)

Gene: MYOZ2 (myozenin 2; plus strand). Cytogenetic location: 4q26.
Variant type: single nucleotide variant.
Coding change: c.447A>T on transcript NM_016599.5 (MANE Select); coding-DNA position 447, A replaced by T.
Protein change: p.Gln149His; replaces glutamine 149 with histidine.
Molecular consequence: missense variant.
Genome position (GRCh38, 1-based): chr4:119,164,281, A>T. VCF-style: chr4-119164281-A-T. GRCh37 (hg19) VCF-style: chr4-120085436-A-T.
Other names: p.Q149H:CAA>CAT; short protein forms Q149H.
Identifiers: ClinVar variation 45783 (VCV000045783.13), dbSNP rs200077093, ClinGen allele CA237430.

ClinVar aggregate classification (germline): Uncertain significance. Review status: criteria provided, multiple submitters, no conflicts (2 of 4 stars). 5 submissions from 5 submitters: Uncertain significance (5). Last evaluated 2025-08-24.

Conditions:
Hypertrophic cardiomyopathy. Also called: HYPERTROPHIC MYOCARDIOPATHY. Identifiers: Orphanet 217569, MedGen C0007194, MeSH D002312, MONDO:0005045, HP:0001639.
Hypertrophic cardiomyopathy 16. Identifiers: MedGen C3151204, MONDO:0013455, OMIM 613838.

Allele frequency attached by ClinVar (database versions not stated): TOPMed 0.00003.
gnomAD v4.1: 33 of 1,613,944 alleles (0.002%); highest among the groups gnomAD compares: Non-Finnish European, 0.0026%; no homozygotes.

Submissions (5):

Labcorp Genetics (formerly Invitae), Labcorp
Classification: Uncertain significance for Hypertrophic cardiomyopathy. Last evaluated: 2025-08-24. Review status: criteria provided, single submitter. Criteria: Invitae Variant Classification Sherloc (09022015). Collection method: clinical testing. Allele origin: germline.
Comment: This sequence change replaces glutamine, which is neutral and polar, with histidine, which is basic and polar, at codon 149 of the MYOZ2 protein (p.Gln149His). This variant is present in population databases (rs200077093, gnomAD 0.003%). This variant has not been reported in the literature in individuals affected with MYOZ2-related conditions. ClinVar contains an entry for this variant (Variation ID: 45783). Invitae Evidence Modeling of protein sequence and biophysical properties (such as structural, functional, and spatial information, amino acid conservation, physicochemical variation, residue mobility, and thermodynamic stability) indicates that this missense variant is not expected to disrupt MYOZ2 protein function with a negative predictive value of 80%. In summary, the available evidence is currently insufficient to determine the role of this variant in disease. Therefore, it has been classified as a Variant of Uncertain Significance.

GeneDx
Classification: Uncertain significance. Last evaluated: 2024-05-14. Review status: criteria provided, single submitter. Criteria: GeneDx Variant Classification Process June 2021. Collection method: clinical testing. Allele origin: germline. Affected: yes.
Comment: Has not been previously published as pathogenic or benign to our knowledge; In silico analysis indicates that this missense variant does not alter protein structure/function; Variants in candidate genes are classified as variants of uncertain significance in accordance with ACMG guidelines (PMID: 25741868)

Fulgent Genetics
Classification: Uncertain significance for Hypertrophic cardiomyopathy 16. Last evaluated: 2021-07-26. Review status: criteria provided, single submitter. Criteria: ACMG Guidelines, 2015. Collection method: clinical testing. Allele origin: unknown.

Biesecker Lab/Clinical Genomics Section, National Institutes of Health
Classification: Uncertain significance. Last evaluated: 2013-06-24. Review status: criteria provided, single submitter. Criteria: Ng et al. (Circ Cardiovasc Genet. 2013). Collection method: research. Allele origin: unknown. Observed: 1 variant allele. Study: ClinSeq.
Comment: The study set was not selected for affection status in relation to any cancer. Pathogenicity categories were based on literature curation. See Pubmed ID:23861362 for details.

Medical sequencing

Laboratory for Molecular Medicine, Mass General Brigham Personalized Medicine
Classification: Uncertain significance. Last evaluated: 2013-06-12. Review status: criteria provided, single submitter. Criteria: LMM Criteria. Collection method: clinical testing. Allele origin: germline. Observed: 1 variant allele.
Comment: Variant classified as Uncertain Significance - Favor Benign. Computational analyses (biochemical amino acid propertie s, conservation, AlignGVGD, PolyPhen2, and SIFT) do not provide strong support f or or against an impact to the protein, though 2 fish species carry a histidine (His; this variant) at this position, raising the possibility that it may be tol erated. However, additional studies are needed to fully assess its clinical sign ificance.